The following is an entry in ClinVar:

ClinVar aggregate classification (germline): Likely pathogenic (1 of 4 stars; one submission).

Submission:

Labcorp Genetics (formerly Invitae), Labcorp
Classification: Likely pathogenic. Last evaluated: 2024-01-09. Review status: criteria provided, single submitter. Criteria: Invitae Variant Classification Sherloc (09022015). Collection method: clinical testing. Allele origin: germline.
Comment: This sequence change affects an acceptor splice site in intron 62 of the LRP2 gene. It is expected to disrupt RNA splicing. Variants that disrupt the donor or acceptor splice site typically lead to a loss of protein function (PMID: 16199547), and loss-of-function variants in LRP2 are known to be pathogenic (PMID: 17632512, 25682901). This variant is not present in population databases (gnomAD no frequency). This variant has not been reported in the literature in individuals affected with LRP2-related conditions. Algorithms developed to predict the effect of sequence changes on RNA splicing suggest that this variant may disrupt the consensus splice site. In summary, the currently available evidence indicates that the variant is pathogenic, but additional data are needed to prove that conclusively. Therefore, this variant has been classified as Likely Pathogenic.

Literature cited by the submitters: PubMed 16199547; PubMed 17632512; PubMed 25682901.

NM_004525.3(LRP2):c.11759-1G>A

Gene: LRP2 (LDL receptor related protein 2; minus strand). Cytogenetic location: 2q31.1.
Variant type: single nucleotide variant.
Coding change: c.11759-1G>A on transcript NM_004525.3 (MANE Select); the canonical splice acceptor site of the intron before coding-DNA position 11759, G replaced by A.
Molecular consequence: splice acceptor variant.
Genome position (GRCh38, 1-based): chr2:169,162,601, C>T on the plus strand (G>A on the coding strand, the complement: LRP2 is on the minus strand). VCF-style: chr2-169162601-C-T. GRCh37 (hg19) VCF-style: chr2-170019111-C-T.
Identifiers: ClinVar variation 2708522 (VCV002708522.3), dbSNP rs2545700340, ClinGen allele CA349140032.